The following is an entry in ClinVar:

NM_000093.5(COL5A1):c.1910G>C (p.Gly637Ala)

Gene: COL5A1 (collagen type V alpha 1 chain; plus strand). Cytogenetic location: 9q34.3.
Variant type: single nucleotide variant.
Coding change: c.1910G>C on transcript NM_000093.5 (MANE Select); coding-DNA position 1910, G replaced by C.
Protein change: p.Gly637Ala; replaces glycine 637 with alanine.
Molecular consequence: missense variant.
Genome position (GRCh38, 1-based): chr9:134,758,271, G>C. VCF-style: chr9-134758271-G-C. GRCh37 (hg19) VCF-style: chr9-137650117-G-C.
Other names: c.1910G>C, p.Gly637Ala (NM_001278074.1); c.1910G>C (NM_000093.3); short protein forms G637A.
Identifiers: ClinVar variation 4905424 (VCV004905424.2).

ClinVar aggregate classification (germline): Uncertain significance. Review status: criteria provided, multiple submitters, no conflicts (2 of 4 stars). 2 submissions from 2 submitters: Uncertain significance (2). Last evaluated 2026-01-27.

gnomAD v4.1: 5 of 1,614,042 alleles (0.00031%); highest among the groups gnomAD compares: Admixed American, 0.0017%; no homozygotes.

Submissions (2):

GeneDx
Classification: Uncertain significance. Last evaluated: 2026-01-27. Review status: criteria provided, single submitter. Criteria: GeneDx Variant Classification Process June 2021. Collection method: clinical testing. Allele origin: germline.
Comment: Not observed at significant frequency in large population cohorts (gnomAD); In silico analysis supports that this missense variant has a deleterious effect on protein structure/function; Has not been previously published as pathogenic or benign to our knowledge; This variant is associated with the following publications: (PMID: 22696272)

Blueprint Genetics
Classification: Uncertain significance. Last evaluated: 2023-08-15. Review status: criteria provided, single submitter. Criteria: ACMG Guidelines, 2015. Collection method: clinical testing. Allele origin: germline.